The following is an entry in ClinVar:

NM_002878.4(RAD51D):c.264-2A>G

Genes: RAD51D (RAD51 paralog D; minus strand), RAD51L3-RFFL (RAD51L3-RFFL readthrough; minus strand). Cytogenetic location: 17q12.
Variant type: single nucleotide variant.
Coding change: c.264-2A>G on transcript NM_002878.4 (MANE Select); the canonical splice acceptor site of the intron before coding-DNA position 264, A replaced by G.
Molecular consequence: splice acceptor variant. On other transcripts: intron variant (1).
Genome position (GRCh38, 1-based): chr17:35,107,449, T>C on the plus strand (A>G on the coding strand, the complement: RAD51D is on the minus strand). VCF-style: chr17-35107449-T-C. GRCh37 (hg19) VCF-style: chr17-33434468-T-C.
Other names: c.145-968A>G (NM_133629.3); c.324-2A>G (NM_001142571.2).
Identifiers: ClinVar variation 821619 (VCV000821619.9), dbSNP rs1555568514, ClinGen allele CA399090043.

ClinVar aggregate classification (germline): Pathogenic/Likely pathogenic. Review status: criteria provided, multiple submitters, no conflicts (2 of 4 stars). 4 submissions from 4 submitters: Pathogenic (1); Likely pathogenic (3). Last evaluated 2025-10-10.

Conditions:
Breast-ovarian cancer, familial, susceptibility to, 4. Identifiers: Orphanet 145, MedGen C3280345, MONDO:0013669, OMIM 614291.
Hereditary cancer-predisposing syndrome. Also called: Tumor predisposition; Hereditary Cancer Syndrome; Hereditary neoplastic syndrome; Neoplastic Syndromes, Hereditary. Identifiers: Orphanet 140162, MedGen C0027672, MeSH D009386, MONDO:0015356.

Allele frequency attached by ClinVar (database versions not stated): gnomAD exomes below 0.00001.

Submissions (4):

Institute of Immunology and Genetics Kaiserslautern
Classification: Pathogenic for Breast-ovarian cancer, familial, susceptibility to, 4. Last evaluated: 2025-10-10. Review status: criteria provided, single submitter. Criteria: ACMG Guidelines, 2015. Collection method: clinical testing. Allele origin: germline. Affected: yes.
Comment: ACMG Criteria: PVS1, PM2, PP5 ; Variant was found in heterozygous state.

Ambry Genetics
Classification: Likely pathogenic for Hereditary cancer-predisposing syndrome. Last evaluated: 2025-08-13. Review status: criteria provided, single submitter. Criteria: Ambry Variant Classification Scheme 2023. Collection method: clinical testing. Allele origin: germline.
Comment: The c.264-2A>G intronic variant results from an A to G substitution two nucleotides upstream from coding exon 4 in the RAD51D gene. This nucleotide position is highly conserved in available vertebrate species. In silico splice site analysis predicts that this alteration will weaken the native splice acceptor site; however direct evidence is insufficient at this time (Ambry internal data). Alterations that disrupt the canonical splice site are expected to cause aberrant splicing, resulting in an abnormal protein or a transcript that is subject to nonsense-mediated mRNA decay. As such, this alteration is likely to be pathogenic.

Myriad Genetics, Inc.
Classification: Likely pathogenic for Breast-ovarian cancer, familial, susceptibility to, 4. Last evaluated: 2024-01-04. Review status: criteria provided, single submitter. Criteria: Myriad Autosomal Dominant, Autosomal Recessive and X-Linked Classification Criteria (2023). Collection method: clinical testing. Allele origin: unknown.
Comment: This variant is considered likely pathogenic. This variant occurs within a consensus splice junction and is predicted to result in abnormal mRNA splicing of either an out-of-frame exon or an in-frame exon necessary for protein stability and/or normal function.

Baylor Genetics
Classification: Likely pathogenic for Breast-ovarian cancer, familial, susceptibility to, 4. Last evaluated: 2022-10-15. Review status: criteria provided, single submitter. Criteria: ACMG Guidelines, 2015. Collection method: clinical testing. Allele origin: unknown.